The following is an entry in ClinVar:

ClinVar aggregate classification (germline): Uncertain significance (1 of 4 stars; one submission).

Conditions:
Hereditary cancer-predisposing syndrome. Also called: Tumor predisposition; Neoplastic Syndromes, Hereditary; Hereditary neoplastic syndrome; Hereditary Cancer Syndrome. Identifiers: Orphanet 140162, MedGen C0027672, MeSH D009386, MONDO:0015356.

Submission:

Molecular Diagnostics Laboratory, Catalan Institute of Oncology
Classification: Uncertain significance for Hereditary cancer-predisposing syndrome. Last evaluated: 2025-05-08. Review status: criteria provided, single submitter. Criteria: ClinGen BRCA1BRCA2 ACMG Specifications BRCA1 V1.0.0. Collection method: clinical testing. Allele origin: germline.
Comment: PVS1_Strong (RNA), PM2_Supporting c.4987-20_4987-11del is an intronic variant located close to a canonical splice site. The SpliceAI algorithm predicts the loss of the canonic splice acceptor site of intron 15 (16 according to BIC nomenclature) (deltascore: 0.61). This prediction was confirmed by an internal RNA assay in cultured lymphocytes from a carrier patient in the presence of NMD-inhibition. It showed the skipping of BRCA1 exon 16 (r.4987_5074del), which is predicted to lead to a truncated protein (p.Val1665Serfs*8), but allele-specific quantitation was not performed (PMID: 26780556, internal data) (PVS1_Strong (RNA)). It is not present in the population database gnomAD v2.1.1, non cancer dataset (PM2_Supporting). This variant has not been reported neither in ClinVar, LOVD nor BRCA Exchange databases. Based on currently available information, the variant c.4987-20_4987-11del should be considered an uncertain significance variant.

NM_007294.4(BRCA1):c.4987-20_4987-11del

Gene: BRCA1 (BRCA1 DNA repair associated; minus strand). Cytogenetic location: 17q21.31.
Variant type: Deletion.
Coding change: c.4987-20_4987-11del on transcript NM_007294.4 (MANE Select); 20 bases into the intron before coding-DNA position 4987 through 11 bases into the intron before coding-DNA position 4987, 10 bases deleted (AATATTTGAT; older notation c.4987-20_4987-11delAATATTTGAT).
Molecular consequence: intron variant.
Genome position (GRCh38, 1-based): chr17:43,067,706-43,067,715, ATCAAATATT deleted on the plus strand (AATATTTGAT on the coding strand, the reverse complement: BRCA1 is on the minus strand). VCF-style (leftmost placement, unchanged base first): chr17-43067705-AATCAAATATT-A. GRCh37 (hg19) VCF-style: chr17-41219722-AATCAAATATT-A.
Other names: c.1672-20_1672-11del (NM_001408402.1, NM_001408473.1, NM_001408399.1 and 8 more transcripts); c.1675-20_1675-11del (NM_001407984.1, NM_001407983.1, NM_001407992.1 and 12 more transcripts); c.4978-20_4978-11del (NM_001407645.1, NM_001407644.1); c.4981-20_4981-11del (NM_001407628.1, NM_001407637.1, NM_001407641.1 and 14 more transcripts); c.4984-20_4984-11del (NM_001407860.1, NM_001407611.1, NM_001407624.1 and 17 more transcripts); c.5047-20_5047-11del (NM_001407590.1, NM_001407591.1); c.1552-20_1552-11del (NM_001408443.1, NM_001408439.1, NM_001408440.1 and 10 more transcripts); c.1555-20_1555-11del (NM_001408425.1, NM_001408428.1, NM_001408429.1 and 4 more transcripts); and 71 more.
Identifiers: ClinVar variation 4082361 (VCV004082361.1).
Genomic context (GRCh38, chr17:43,067,705, plus strand): 5'-TAGATTAGTTAAAGTGATGTGGTGTTTTCTGGCAAACTTGTACACGAGCATCTGAAATTA[AATCAAATATT>A]CCATTATCATGAGTTACCTCTAGCACACAGCTCAGAATACTAGTTATTCCACCATGGCAT-3'